The following is an entry in ClinVar:

ClinVar aggregate classification (germline): Likely pathogenic (1 of 4 stars; one submission).

Conditions:
LAMA2-related muscular dystrophy (LAMA2-RD). Also called: Laminin alpha 2-related dystrophy. Identifiers: MedGen C5679788, MONDO:0100228.

Allele frequency attached by ClinVar (database versions not stated): gnomAD exomes below 0.00001 and 0.00001; ExAC 0.00001; gnomAD 0.00001; 1000 Genomes Project 30x 0.00016; 1000 Genomes Project 0.00020.
gnomAD v4.1: 5 of 1,613,168 alleles (0.00031%); highest among the groups gnomAD compares: East Asian, 0.0022%; no homozygotes.

Submission:

Labcorp Genetics (formerly Invitae), Labcorp
Classification: Likely pathogenic for LAMA2-related muscular dystrophy. Last evaluated: 2020-08-30. Review status: criteria provided, single submitter. Criteria: Invitae Variant Classification Sherloc (09022015). Collection method: clinical testing. Allele origin: germline.
Comment: This variant has not been reported in the literature in individuals with LAMA2-related conditions. This variant is present in population databases (rs148433965, ExAC 0.01%). Algorithms developed to predict the effect of sequence changes on RNA splicing suggest that this variant may disrupt the consensus splice site, but this prediction has not been confirmed by published transcriptional studies. Donor and acceptor splice site variants typically lead to a loss of protein function (PMID: 16199547), and loss-of-function variants in LAMA2 are known to be pathogenic (PMID: 18700894). In summary, the currently available evidence indicates that the variant is pathogenic, but additional data are needed to prove that conclusively. Therefore, this variant has been classified as Likely Pathogenic. This sequence change affects an acceptor splice site in intron 39 of the LAMA2 gene. It is expected to disrupt RNA splicing and likely results in an absent or disrupted protein product.

Literature cited by the submitters: PubMed 16199547; PubMed 18700894.

NM_000426.4(LAMA2):c.5727-2A>G

Gene: LAMA2 (laminin subunit alpha 2; plus strand). Cytogenetic location: 6q22.33.
Variant type: single nucleotide variant.
Coding change: c.5727-2A>G on transcript NM_000426.4 (MANE Select); the canonical splice acceptor site of the intron before coding-DNA position 5727, A replaced by G.
Molecular consequence: splice acceptor variant.
Genome position (GRCh38, 1-based): chr6:129,403,819, A>G. VCF-style: chr6-129403819-A-G. GRCh37 (hg19) VCF-style: chr6-129724964-A-G.
Other names: c.5727-2A>G (NM_001079823.2).
Identifiers: ClinVar variation 1066440 (VCV001066440.7), dbSNP rs148433965, ClinGen allele CA3993977.